The following is an entry in ClinVar:

ClinVar aggregate classification (germline): Uncertain significance (1 of 4 stars; one submission).

gnomAD v4.1: 5 of 1,612,266 alleles (0.00031%); highest among the groups gnomAD compares: Non-Finnish European, 0.00017%; no homozygotes.

Submission:

Labcorp Genetics (formerly Invitae), Labcorp
Classification: Uncertain significance. Last evaluated: 2022-09-07. Review status: criteria provided, single submitter. Criteria: Invitae Variant Classification Sherloc (09022015). Collection method: clinical testing. Allele origin: germline.
Comment: In summary, the available evidence is currently insufficient to determine the role of this variant in disease. Therefore, it has been classified as a Variant of Uncertain Significance. Advanced modeling of protein sequence and biophysical properties (such as structural, functional, and spatial information, amino acid conservation, physicochemical variation, residue mobility, and thermodynamic stability) performed at Invitae indicates that this missense variant is not expected to disrupt COL11A1 protein function. This variant has not been reported in the literature in individuals affected with COL11A1-related conditions. The frequency data for this variant in the population databases is considered unreliable, as metrics indicate poor data quality at this position in the gnomAD database. This sequence change replaces arginine, which is basic and polar, with histidine, which is basic and polar, at codon 951 of the COL11A1 protein (p.Arg951His).

NM_001854.4(COL11A1):c.2852G>A (p.Arg951His)

Gene: COL11A1 (collagen type XI alpha 1 chain; minus strand). Cytogenetic location: 1p21.1.
Variant type: single nucleotide variant.
Coding change: c.2852G>A on transcript NM_001854.4 (MANE Select); coding-DNA position 2852, G replaced by A.
Protein change: p.Arg951His; replaces arginine 951 with histidine.
Molecular consequence: missense variant. On other transcripts: non-coding transcript variant (1).
Genome position (GRCh38, 1-based): chr1:102,970,229, C>T on the plus strand (G>A on the coding strand, the complement: COL11A1 is on the minus strand). VCF-style: chr1-102970229-C-T. GRCh37 (hg19) VCF-style: chr1-103435785-C-T.
Other names: c.2735G>A, p.Arg912His (NM_001190709.2); c.2888G>A, p.Arg963His (NM_080629.3); c.2504G>A, p.Arg835His (NM_080630.4, NM_001168249.1); short protein forms R835H, R912H, R951H, R963H.
Identifiers: ClinVar variation 1719026 (VCV001719026.5), dbSNP rs1278648408, ClinGen allele CA341160530.